The following is an entry in ClinVar:

ClinVar aggregate classification (germline): Benign/Likely benign. Review status: criteria provided, multiple submitters, no conflicts (2 of 4 stars). 4 submissions from 4 submitters: Benign (1); Likely benign (3). Last evaluated 2026-02-03.

Conditions:
Familial melanoma. Also called: Hereditary melanoma; Hereditary cutaneous melanoma. Identifiers: Orphanet 618, MedGen C1512419, MONDO:0018961.
Hereditary cancer-predisposing syndrome. Also called: Hereditary Cancer Syndrome; Tumor predisposition; Hereditary neoplastic syndrome; Neoplastic Syndromes, Hereditary. Identifiers: Orphanet 140162, MedGen C0027672, MeSH D009386, MONDO:0015356.
Melanoma-pancreatic cancer syndrome. Identifiers: Orphanet 404560, MedGen C1838547, MONDO:0011713, OMIM 606719. Disease mechanism: loss of function.

gnomAD v4.1: 1 of 1,606,366 alleles (0.000062%); no homozygotes.

Submissions (4):

Ambry Genetics
Classification: Likely benign for Hereditary cancer-predisposing syndrome. Last evaluated: 2026-02-03. Review status: criteria provided, single submitter. Criteria: Ambry Variant Classification Scheme 2023. Collection method: clinical testing. Allele origin: germline.

Myriad Genetics, Inc.
Classification: Benign for Melanoma-pancreatic cancer syndrome. Last evaluated: 2025-08-13. Review status: criteria provided, single submitter. Criteria: Myriad Autosomal Dominant, Autosomal Recessive and X-Linked Classification Criteria (2023). Collection method: clinical testing. Allele origin: unknown.
Comment: This variant is considered benign. This variant is a silent/synonymous amino acid change and it is not expected to impact splicing.

Labcorp Genetics (formerly Invitae), Labcorp
Classification: Likely benign for Familial melanoma. Last evaluated: 2023-02-04. Review status: criteria provided, single submitter. Criteria: Invitae Variant Classification Sherloc (09022015). Collection method: clinical testing. Allele origin: germline.

GeneDx
Classification: Likely benign. Last evaluated: 2017-12-12. Review status: criteria provided, single submitter. Criteria: GeneDx Variant Classification (06012015). Collection method: clinical testing. Allele origin: germline. Affected: yes.
Comment: This variant is considered likely benign or benign based on one or more of the following criteria: it is a conservative change, it occurs at a poorly conserved position in the protein, it is predicted to be benign by multiple in silico algorithms, and/or has population frequency not consistent with disease.

NM_000077.5(CDKN2A):c.54G>T (p.Thr18=)

Gene: CDKN2A (cyclin dependent kinase inhibitor 2A; minus strand). Cytogenetic location: 9p21.3.
Variant type: single nucleotide variant.
Coding change: c.54G>T on transcript NM_000077.5; coding-DNA position 54, G replaced by T.
Protein change: p.Thr18=; no amino-acid change (threonine 18 retained).
Molecular consequence: synonymous variant (on NM_000077.6). On other transcripts: intron variant (2).
Genome position (GRCh38, 1-based): chr9:21,974,774, C>A on the plus strand (G>T on the coding strand, the complement: CDKN2A is on the minus strand). VCF-style: chr9-21974774-C-A. GRCh37 (hg19) VCF-style: chr9-21974773-C-A.
Other names: c.54G>T, p.Thr18= (NM_000077.6, NM_001195132.2, NM_058197.5); c.-3-3566G>T (NM_001363763.2); c.194-3566G>T (NM_058195.4).
Identifiers: ClinVar variation 514155 (VCV000514155.11), dbSNP rs765702324, ClinGen allele CA464100186.